The following is an entry in ClinVar:

NM_004260.4(RECQL4):c.1705A>G (p.Ile569Val)

Gene: RECQL4 (RecQ like helicase 4; minus strand). Cytogenetic location: 8q24.3.
Variant type: single nucleotide variant.
Coding change: c.1705A>G on transcript NM_004260.4 (MANE Select); coding-DNA position 1705, A replaced by G.
Protein change: p.Ile569Val; replaces isoleucine 569 with valine.
Molecular consequence: missense variant.
Genome position (GRCh38, 1-based): chr8:144,514,362, T>C on the plus strand (A>G on the coding strand, the complement: RECQL4 is on the minus strand). VCF-style: chr8-144514362-T-C. GRCh37 (hg19) VCF-style: chr8-145739746-T-C.
Other names: c.1705A>G (NM_004260.3); short protein forms I569V.
Identifiers: ClinVar variation 1414512 (VCV001414512.7), dbSNP rs2130697073, ClinGen allele CA372681341.

ClinVar aggregate classification (germline): Conflicting classifications of pathogenicity. Review status: criteria provided, conflicting classifications (1 of 4 stars). 2 submissions from 2 submitters: Uncertain significance (1); Likely benign (1). Last evaluated 2025-05-18.

Conditions:
Inborn genetic diseases. Identifiers: MedGen C0950123, MeSH D030342.
Baller-Gerold syndrome (BGS). Also called: CRANIOSYNOSTOSIS WITH RADIAL DEFECTS. Identifiers: Orphanet 1225, MedGen C0265308, MONDO:0009039, OMIM 218600.

Submissions (2):

Ambry Genetics
Classification: Likely benign for Inborn genetic diseases. Last evaluated: 2025-05-18. Review status: criteria provided, single submitter. Criteria: Ambry Variant Classification Scheme 2023. Collection method: clinical testing. Allele origin: germline.

Labcorp Genetics (formerly Invitae), Labcorp
Classification: Uncertain significance for Baller-Gerold syndrome. Last evaluated: 2024-04-16. Review status: criteria provided, single submitter. Criteria: Invitae Variant Classification Sherloc (09022015). Collection method: clinical testing. Allele origin: germline.
Comment: This sequence change replaces isoleucine, which is neutral and non-polar, with valine, which is neutral and non-polar, at codon 569 of the RECQL4 protein (p.Ile569Val). This variant is not present in population databases (gnomAD no frequency). This variant has not been reported in the literature in individuals affected with RECQL4-related conditions. ClinVar contains an entry for this variant (Variation ID: 1414512). Experimental studies and prediction algorithms are not available or were not evaluated, and the functional significance of this variant is currently unknown. In summary, the available evidence is currently insufficient to determine the role of this variant in disease. Therefore, it has been classified as a Variant of Uncertain Significance.